The following is an entry in ClinVar:

ClinVar aggregate classification (germline): Pathogenic. Review status: reviewed by expert panel (3 of 4 stars). 6 submissions from 6 submitters: Pathogenic (1). 5 of the submissions do not count toward it. Last evaluated 2019-06-18.

Conditions:
Hereditary cancer-predisposing syndrome. Also called: Hereditary Cancer Syndrome; Hereditary neoplastic syndrome; Neoplastic Syndromes, Hereditary; Tumor predisposition. Identifiers: Orphanet 140162, MedGen C0027672, MeSH D009386, MONDO:0015356.
Breast-ovarian cancer, familial, susceptibility to, 1 (BROVCA1). Also called: BRCA1 Hereditary Breast and Ovarian Cancer; OVARIAN CANCER, SUSCEPTIBILITY TO. Identifiers: Orphanet 145, MedGen C2676676, MONDO:0011450, OMIM 604370. Disease mechanism: loss of function.
Hereditary breast ovarian cancer syndrome. Also called: BRCA1- and BRCA2-Associated Hereditary Breast and Ovarian Cancer; Hereditary breast and ovarian cancer syndrome; Hereditary breast and ovarian cancer syndrome (HBOC); Breast and ovarian cancer; Hereditary breast and/or ovarian cancer syndrome; Hereditary breast and ovarian cancer. Identifiers: Orphanet 145, MedGen C0677776, MeSH D061325, MONDO:0003582. Disease mechanism: loss of function.

Submissions (7):

Evidence-based Network for the Interpretation of Germline Mutant Alleles (ENIGMA)
Classification: Pathogenic for Breast-ovarian cancer, familial, susceptibility to, 1. Last evaluated: 2019-06-18. Review status: reviewed by expert panel. Criteria: ENIGMA BRCA1/2 Classification Criteria (2017-06-29). Collection method: curation. Allele origin: germline.
Comment: IARC class based on posterior probability from multifactorial likelihood analysis, thresholds for class as per Plon et al. 2008 (PMID: 18951446). Class 5 based on posterior probability = 0.998471

Labcorp Genetics (formerly Invitae), Labcorp
Classification: Pathogenic for Hereditary breast ovarian cancer syndrome. Last evaluated: 2025-11-25. Review status: criteria provided, single submitter. Criteria: Invitae Variant Classification Sherloc (09022015). Collection method: clinical testing. Allele origin: germline. Not counted in ClinVar's aggregate classification.
Comment: This sequence change affects an acceptor splice site in intron 15 of the BRCA1 gene. It is expected to disrupt RNA splicing. Variants that disrupt the donor or acceptor splice site typically lead to a loss of protein function (PMID: 16199547), and loss-of-function variants in BRCA1 are known to be pathogenic (PMID: 20104584). This variant is not present in population databases (gnomAD no frequency). Disruption of this splice site has been observed in individual(s) with breast and/or ovarian cancer (PMID: 12938098, 21769658, 29446198, 33461583). This variant is also known as IVS16-2A>G. ClinVar contains an entry for this variant (Variation ID: 55345). Based on a multifactorial likelihood algorithm using genetic, in silico, and/or statistical data, this variant has been determined to have a high probability of being pathogenic (PMID: 21769658, 31131967). Experimental studies have shown that disruption of this splice site does not substantially affect BRCA1 function (PMID: 30209399). Algorithms developed to predict the effect of sequence changes on RNA splicing suggest that this variant may disrupt the consensus splice site. For these reasons, this variant has been classified as Pathogenic.

Ambry Genetics
Classification: Likely pathogenic for Hereditary cancer-predisposing syndrome. Last evaluated: 2020-06-29. Review status: criteria provided, single submitter. Criteria: Ambry Variant Classification Scheme 2023. Collection method: clinical testing. Allele origin: germline. Not counted in ClinVar's aggregate classification.
Comment: The c.4987-2A>G intronic variant results from an A to G substitution two nucleotides upstream from coding exon 15 in the BRCA1 gene. This nucleotide position is highly conserved in available vertebrate species. One functional study found that this nucleotide substitution is functional in a high throughput genome editing haploid cell survival assay (Findlay GM et al. Nature, 2018 10;562:217-222). However, this alteration was predicted to be pathogenic using a multifactorial likelihood analysis (Parsons MT et al. Hum. Mutat. 2019 09;40(9):1557-1578). Additionally, this alteration has been shown to cause aberrant splicing of exon 15 skipping, which is a NMD-prone transcript (Thomassen M et al. Breast Cancer Res. Treat. 2012 Apr;132(3):1009-23). Using the BDGP and ESEfinder splice site prediction tools, this alteration is predicted to abolish the native splice acceptor site; however, direct evidence is unavailable. Based on the majority of available evidence to date, this variant is likely to be pathogenic.

Consortium of Investigators of Modifiers of BRCA1/2 (CIMBA), c/o University of Cambridge
Classification: Pathogenic for Breast-ovarian cancer, familial, susceptibility to, 1. Last evaluated: 2015-10-02. Review status: criteria provided, single submitter. Criteria: CIMBA Mutation Classification guidelines May 2016. Collection method: clinical testing. Allele origin: germline. Not counted in ClinVar's aggregate classification.

GeneDx
Classification: Pathogenic. Last evaluated: 2014-07-29. Review status: criteria provided, single submitter. Criteria: GeneDx Variant Classification (06012015). Collection method: clinical testing. Allele origin: germline. Affected: yes. Not counted in ClinVar's aggregate classification.
Comment: This pathogenic variant is denoted BRCA1 c.4987-2A>G or IVS15-2A>G and consists of an A>G nucleotide substitution at the -2 position of intron 15 of the BRCA1 gene. The variant destroys a canonical splice acceptor site and is predicted to cause abnormal gene splicing, leading to either an abnormal message that is subject to nonsense-mediated mRNA decay or to an abnormal protein product. BRCA1 c.4987-2A>G, previously reported as c.5106-2A>G, has been has been reported in association with hereditary breast and ovarian cancer (Meyer 2003, Thomassen 2012). The variant was predicted by Thomassen et al. (2012) to be pathogenic based on frequency information, multifactorial analysis and splicing results indicative of exon skipping and protein truncation. Based on the current evidence, we consider BRCA1 c.4987-2A>G to be pathogenic.

Brotman Baty Institute, University of Washington
No classification provided (evidence only). Condition: Breast-ovarian cancer, familial 1. Review status: no classification provided. Collection method: in vitro. Allele origin: not applicable. Functional consequence: functionally_normal. Not counted in ClinVar's aggregate classification.
ClinVar note: "not provided" was previously submitted as the classification for the variant. However, the classification appeared to be based only on an observation of functional data so it was converted to no classification on 2025-07-30.

Department of Pathology and Laboratory Medicine, Sinai Health System
Classification: Uncertain significance. Review status: no assertion criteria provided. Collection method: clinical testing. Allele origin: unknown. Affected: yes. Observed: 7 variant alleles. Study: The Canadian Open Genetics Repository (COGR). Not counted in ClinVar's aggregate classification.

Literature cited by the submitters: PubMed 31131967 (cited by Evidence-based Network for the Interpretation of Germline Mutant Alleles (ENIGMA) and Labcorp Genetics (formerly Invitae), Labcorp); PubMed 16199547 (cited by Labcorp Genetics (formerly Invitae), Labcorp); PubMed 20104584 (cited by Labcorp Genetics (formerly Invitae), Labcorp); PubMed 12938098 (cited by Labcorp Genetics (formerly Invitae), Labcorp and Ambry Genetics); PubMed 21769658 (cited by Labcorp Genetics (formerly Invitae), Labcorp); PubMed 29446198 (cited by Labcorp Genetics (formerly Invitae), Labcorp and Ambry Genetics); PubMed 33461583 (cited by Labcorp Genetics (formerly Invitae), Labcorp); PubMed 30209399 (cited by Labcorp Genetics (formerly Invitae), Labcorp and Ambry Genetics); PubMed 25525159 (cited by Ambry Genetics).

NM_007294.4(BRCA1):c.4987-2A>G

Gene: BRCA1 (BRCA1 DNA repair associated; minus strand). Cytogenetic location: 17q21.31.
Variant type: single nucleotide variant.
Coding change: c.4987-2A>G on transcript NM_007294.4 (MANE Select); the canonical splice acceptor site of the intron before coding-DNA position 4987, A replaced by G.
Molecular consequence: splice acceptor variant. On other transcripts: intron variant (1).
Genome position (GRCh38, 1-based): chr17:43,067,697, T>C on the plus strand (A>G on the coding strand, the complement: BRCA1 is on the minus strand). VCF-style: chr17-43067697-T-C. GRCh37 (hg19) VCF-style: chr17-41219714-T-C.
Other names: c.1534-2A>G (NM_001408458.1, NM_001408461.1, NM_001408464.1 and 7 more transcripts); c.4096-2A>G (NM_001407967.1); c.4606-2A>G (NM_001407959.1); c.4720-2A>G (NM_001407931.1, NM_001407932.1, NM_001407928.1 and 4 more transcripts); c.4843-2A>G (NM_001407747.1, NM_001407745.1, NM_001407737.1 and 21 more transcripts); c.4603-2A>G (NM_001407962.1, NM_001407960.1); c.1174-2A>G (NM_001408512.1); c.1297-2A>G (NM_001408510.1); and 71 more.
Identifiers: ClinVar variation 55345 (VCV000055345.19), dbSNP rs397509212, ClinGen allele CA003132.